The following is an entry in ClinVar:

ClinVar aggregate classification (germline): Conflicting classifications of pathogenicity. Review status: criteria provided, conflicting classifications (1 of 4 stars). 4 submissions from 4 submitters: Uncertain significance (3); Likely benign (1). Last evaluated 2023-08-05.

Conditions:
Hereditary breast ovarian cancer syndrome. Also called: Hereditary breast and ovarian cancer syndrome; Hereditary breast and ovarian cancer; Hereditary breast and ovarian cancer syndrome (HBOC); Breast and ovarian cancer; Hereditary breast and/or ovarian cancer syndrome; BRCA1- and BRCA2-Associated Hereditary Breast and Ovarian Cancer. Identifiers: Orphanet 145, MedGen C0677776, MeSH D061325, MONDO:0003582. Disease mechanism: loss of function.
BRCA2-related disorder. Also called: BRCA2-related condition; BRCA2-related disorders. Identifiers: MedGen CN239275.
Hereditary cancer-predisposing syndrome. Also called: Neoplastic Syndromes, Hereditary; Tumor predisposition; Hereditary neoplastic syndrome; Hereditary Cancer Syndrome. Identifiers: Orphanet 140162, MedGen C0027672, MeSH D009386, MONDO:0015356.

Submissions (4):

PreventionGenetics, part of Exact Sciences
Classification: Uncertain significance for BRCA2-related condition. Last evaluated: 2023-08-05. Review status: criteria provided, single submitter. Criteria: ACMG Guidelines, 2015. Collection method: clinical testing. Allele origin: germline.
Comment: The BRCA2 c.5775G>C variant is predicted to result in the amino acid substitution p.Gln1925His. To our knowledge, this variant has not been reported in the literature or in a large population database, indicating this variant is rare. This variant is reported in ClinVar with conflicting interpretations of likely benign and uncertain. At this time, the clinical significance of this variant is uncertain due to the absence of conclusive functional and genetic evidence.

University of Washington Department of Laboratory Medicine, University of Washington
Classification: Likely benign for Hereditary cancer-predisposing syndrome. Last evaluated: 2023-03-23. Review status: criteria provided, single submitter. Criteria: Dines et al. (Genet Med. 2020). Collection method: curation. Allele origin: germline.
Comment: Missense variant in a coldspot region where missense variants are very unlikely to be pathogenic (PMID:31911673).

BRCA2 exon 11 coldspot. Reclassification based on statistical prior probability.

Labcorp Genetics (formerly Invitae), Labcorp
Classification: Uncertain significance for Hereditary breast ovarian cancer syndrome. Last evaluated: 2021-09-04. Review status: criteria provided, single submitter. Criteria: Invitae Variant Classification Sherloc (09022015). Collection method: clinical testing. Allele origin: germline.
Comment: Advanced modeling of protein sequence and biophysical properties (such as structural, functional, and spatial information, amino acid conservation, physicochemical variation, residue mobility, and thermodynamic stability) performed at Invitae indicates that this missense variant is not expected to disrupt BRCA2 protein function. In summary, the available evidence is currently insufficient to determine the role of this variant in disease. Therefore, it has been classified as a Variant of Uncertain Significance. ClinVar contains an entry for this variant (Variation ID: 825962). This variant has not been reported in the literature in individuals affected with BRCA2-related conditions. This variant is not present in population databases (ExAC no frequency). This sequence change replaces glutamine with histidine at codon 1925 of the BRCA2 protein (p.Gln1925His). The glutamine residue is weakly conserved and there is a small physicochemical difference between glutamine and histidine.

Ambry Genetics
Classification: Uncertain significance for Hereditary cancer-predisposing syndrome. Last evaluated: 2019-05-31. Review status: criteria provided, single submitter. Criteria: Ambry Variant Classification Scheme 2023. Collection method: clinical testing. Allele origin: germline.
Comment: The p.Q1925H variant (also known as c.5775G>C), located in coding exon 10 of the BRCA2 gene, results from a G to C substitution at nucleotide position 5775. The glutamine at codon 1925 is replaced by histidine, an amino acid with highly similar properties. This amino acid position is not well conserved in available vertebrate species. In addition, the in silico prediction for this alteration is inconclusive. Since supporting evidence is limited at this time, the clinical significance of this alteration remains unclear.

NM_000059.4(BRCA2):c.5775G>C (p.Gln1925His)

Gene: BRCA2 (BRCA2 DNA repair associated; plus strand). Cytogenetic location: 13q13.1.
Variant type: single nucleotide variant.
Coding change: c.5775G>C on transcript NM_000059.4 (MANE Select); coding-DNA position 5775, G replaced by C.
Protein change: p.Gln1925His; replaces glutamine 1925 with histidine.
Molecular consequence: missense variant.
Genome position (GRCh38, 1-based): chr13:32,340,130, G>C. VCF-style: chr13-32340130-G-C. GRCh37 (hg19) VCF-style: chr13-32914267-G-C.
Other names: short protein forms Q1925H.
Identifiers: ClinVar variation 825962 (VCV000825962.12), dbSNP rs1593906484, ClinGen allele CA387787120.
Genomic context (GRCh38, chr13:32,340,130, plus strand): 5'-TAACTCTCTAGATAATGATGAATGTAGCACGCATTCACATAAGGTTTTTGCTGACATTCA[G>C]AGTGAAGAAATTTTACAACATAACCAAAATATGTCTGGATTGGAGAAAGTTTCTAAAATA-3'
Protein context (NP_000050.3, residues 1915-1935): THSHKVFADI[Gln1925His]SEEILQHNQN